The following is an entry in ClinVar:

ClinVar aggregate classification (germline): Uncertain significance (1 of 4 stars; one submission).

gnomAD v4.1: 3 of 1,550,914 alleles (0.00019%); highest among the groups gnomAD compares: Non-Finnish European, 0.00026%; no homozygotes.

Submission:

Labcorp Genetics (formerly Invitae), Labcorp
Classification: Uncertain significance. Last evaluated: 2022-04-08. Review status: criteria provided, single submitter. Criteria: Invitae Variant Classification Sherloc (09022015). Collection method: clinical testing. Allele origin: germline.
Comment: This sequence change replaces glycine, which is neutral and non-polar, with arginine, which is basic and polar, at codon 39 of the MYH14 protein (p.Gly39Arg). This variant is not present in population databases (gnomAD no frequency). This variant has not been reported in the literature in individuals affected with MYH14-related conditions. Algorithms developed to predict the effect of missense changes on protein structure and function are either unavailable or do not agree on the potential impact of this missense change (SIFT: "Deleterious"; PolyPhen-2: "Benign"; Align-GVGD: "Class C0"). In summary, the available evidence is currently insufficient to determine the role of this variant in disease. Therefore, it has been classified as a Variant of Uncertain Significance.

NM_001145809.2(MYH14):c.115G>A (p.Gly39Arg)

Gene: MYH14 (myosin heavy chain 14; plus strand). Cytogenetic location: 19q13.33.
Variant type: single nucleotide variant.
Coding change: c.115G>A on transcript NM_001145809.2 (MANE Select); coding-DNA position 115, G replaced by A.
Protein change: p.Gly39Arg; replaces glycine 39 with arginine.
Molecular consequence: missense variant.
Genome position (GRCh38, 1-based): chr19:50,210,480, G>A. VCF-style: chr19-50210480-G-A. GRCh37 (hg19) VCF-style: chr19-50713737-G-A.
Other names: c.115G>A, p.Gly39Arg (NM_001077186.2, NM_024729.4); short protein forms G39R.
Identifiers: ClinVar variation 2122880 (VCV002122880.4), dbSNP rs933768003, ClinGen allele CA309565385.